The following is an entry in ClinVar:

NM_000642.3(AGL):c.3593A>G (p.Gln1198Arg)

Gene: AGL (amylo-alpha-1,6-glucosidase and 4-alpha-glucanotransferase; plus strand). Cytogenetic location: 1p21.2.
Variant type: single nucleotide variant.
Coding change: c.3593A>G on transcript NM_000642.3 (MANE Select); coding-DNA position 3593, A replaced by G.
Protein change: p.Gln1198Arg; replaces glutamine 1198 with arginine.
Molecular consequence: missense variant.
Genome position (GRCh38, 1-based): chr1:99,902,687, A>G. VCF-style: chr1-99902687-A-G. GRCh37 (hg19) VCF-style: chr1-100368243-A-G.
Other names: c.3593A>G, p.Gln1198Arg (NM_000028.3, NM_000643.3, NM_000644.3 and 1 more transcripts); c.3545A>G, p.Gln1182Arg (NM_000646.3); c.3572A>G, p.Gln1191Arg (NM_001425326.1); c.3392A>G, p.Gln1131Arg (NM_001425327.1); c.3389A>G, p.Gln1130Arg (NM_001425328.1); c.3254A>G, p.Gln1085Arg (NM_001425329.1); c.3215A>G, p.Gln1072Arg (NM_001425332.1); short protein forms Q1085R, Q1191R, Q1131R, Q1072R, Q1130R, Q1182R, Q1198R.
Identifiers: ClinVar variation 2832227 (VCV002832227.3), dbSNP rs1366861282, ClinGen allele CA341334257.

ClinVar aggregate classification (germline): Uncertain significance (1 of 4 stars; one submission).

Conditions:
Glycogen storage disease type III (GSD3). Also called: FORBES DISEASE; Cori disease. Identifiers: Orphanet 366, MedGen C0017922, MONDO:0009291, OMIM 232400.

Allele frequency attached by ClinVar (database versions not stated): gnomAD exomes below 0.00001.
gnomAD v4.1: 1 of 1,610,474 alleles (0.000062%); no homozygotes.

Submission:

Labcorp Genetics (formerly Invitae), Labcorp
Classification: Uncertain significance for Glycogen storage disease type III. Last evaluated: 2024-10-17. Review status: criteria provided, single submitter. Criteria: Invitae Variant Classification Sherloc (09022015). Collection method: clinical testing. Allele origin: germline.
Comment: This sequence change replaces glutamine, which is neutral and polar, with arginine, which is basic and polar, at codon 1198 of the AGL protein (p.Gln1198Arg). This variant is not present in population databases (gnomAD no frequency). This variant has not been reported in the literature in individuals affected with AGL-related conditions. Invitae Evidence Modeling of protein sequence and biophysical properties (such as structural, functional, and spatial information, amino acid conservation, physicochemical variation, residue mobility, and thermodynamic stability) indicates that this missense variant is expected to disrupt AGL protein function with a positive predictive value of 80%. In summary, the available evidence is currently insufficient to determine the role of this variant in disease. Therefore, it has been classified as a Variant of Uncertain Significance.